The following is an entry in ClinVar:

NM_001853.4(COL9A3):c.148-1G>A

Gene: COL9A3 (collagen type IX alpha 3 chain; plus strand). Cytogenetic location: 20q13.33.
Variant type: single nucleotide variant.
Coding change: c.148-1G>A on transcript NM_001853.4 (MANE Select); the canonical splice acceptor site of the intron before coding-DNA position 148, G replaced by A.
Molecular consequence: splice acceptor variant.
Genome position (GRCh38, 1-based): chr20:62,818,517, G>A. VCF-style: chr20-62818517-G-A. GRCh37 (hg19) VCF-style: chr20-61449869-G-A.
Other names: IVS2AS, G-A, -1.
Identifiers: ClinVar variation 17141 (VCV000017141.49), dbSNP rs606231367, ClinGen allele CA212995.

ClinVar aggregate classification (germline): Pathogenic. Review status: criteria provided, multiple submitters, no conflicts (2 of 4 stars). 6 submissions from 6 submitters: Pathogenic (4). 2 of the submissions do not count toward it. Last evaluated 2024-10-16.

Conditions:
COL9A3-related disorder. Also called: COL9A3-related condition.
Epiphyseal dysplasia, multiple, 3 (EDM3). Also called: COL9A3-Related Multiple Epiphyseal Dysplasia; Epiphyseal dysplasia, multiple, 3, with or without myopathy. Identifiers: MedGen C1832998, MONDO:0010964, OMIM 600969.
Epiphyseal dysplasia, multiple, 3, with myopathy. Identifiers: MedGen C3152083.

Submissions (6):

GeneDx
Classification: Pathogenic. Last evaluated: 2024-10-16. Review status: criteria provided, single submitter. Criteria: GeneDx Variant Classification Process June 2021. Collection method: clinical testing. Allele origin: germline. Affected: yes.
Comment: Identified in two families with multiple epiphyseal dysplasia (MED) in published literature; this variant segregated with disease in many affected family members in these two families (PMID: 10655510, 10678658); Not observed at significant frequency in large population cohorts (gnomAD); Published RNA studies suggest that the c.148-1G>A results in skipping of exon 3 (PMID: 10655510, 10678658); Canonical splice site variant predicted to result in an in-frame loss of the adjacent exon in a gene for which loss of function is a known mechanism of disease; This variant is associated with the following publications: (PMID: 25525159, 10655510, 10678658)

Labcorp Genetics (formerly Invitae), Labcorp
Classification: Pathogenic. Last evaluated: 2023-11-27. Review status: criteria provided, single submitter. Criteria: Invitae Variant Classification Sherloc (09022015). Collection method: clinical testing. Allele origin: germline.
Comment: This sequence change affects an acceptor splice site in intron 2 of the COL9A3 gene. Variants that disrupt the donor or acceptor splice site typically lead to a loss of protein function (PMID: 16199547), however it is unknown whether splice variants in this region will result in a loss of function. This variant is not present in population databases (gnomAD no frequency). Disruption of this splice site has been observed in individuals with autosomal dominant epiphyseal dysplasia (PMID: 10655510, 10678658). It has also been observed to segregate with disease in related individuals. This variant is also known as G-1IVS2>A, (IVS2,G-A,-1). ClinVar contains an entry for this variant (Variation ID: 17141). Studies have shown that disruption of this splice site results in skipping of exon 3, but is expected to preserve the integrity of the reading-frame (PMID: 10655510, 10678658). For these reasons, this variant has been classified as Pathogenic.

CeGaT Center for Human Genetics Tuebingen
Classification: Pathogenic. Last evaluated: 2016-09-01. Review status: criteria provided, single submitter. Criteria: CeGaT Center For Human Genetics Tuebingen Variant Classification Criteria Version 2. Collection method: clinical testing. Allele origin: germline. Affected: yes. Observed: 1 variant allele.

Juno Genomics, Hangzhou Juno Genomics, Inc
Classification: Pathogenic for Epiphyseal dysplasia, multiple, 3. Review status: criteria provided, single submitter. Criteria: ACMG Guidelines, 2015. Collection method: clinical testing. Allele origin: germline. Affected: yes.
Comment: Absent from controls (or at extremely low frequency if recessive) in Genome Aggregation Database, Exome Sequencing Project, 1000 Genomes Project, or Exome Aggregation Consortium.;Null variant in a gene where loss of function (LOF) is a known mechanism of disease.;The prevalence of the variant in affected individuals is significantly increased compared to the prevalence in controls.;Patient's phenotype or family history is highly specific for a disease with a single genetic etiology.;Co-segregation with disease in multiple affected family members in a gene definitively known to cause the disease.

PreventionGenetics, part of Exact Sciences
Classification: Pathogenic for COL9A3-related condition. Last evaluated: 2024-05-06. Review status: no assertion criteria provided. Collection method: clinical testing. Allele origin: germline. Not counted in ClinVar's aggregate classification.
Comment: The COL9A3 c.148-1G>A variant is predicted to disrupt the AG splice acceptor site and interfere with normal splicing. This variant was reported to segregate with disease in two families with multiple epiphyseal dysplasia (Lohiniva et al. 2000. PubMed ID: 10678658; Bönnemann et al. 2000. PubMed ID: 10655510). This variant has not been reported in a large population database, indicating this variant is rare. Variants that disrupt the consensus splice acceptor site in COL9A3 are expected to be pathogenic. This variant is interpreted as pathogenic.

OMIM
Classification: Pathogenic for EPIPHYSEAL DYSPLASIA, MULTIPLE, 3, WITH MYOPATHY. Last evaluated: 2000-02-01. Review status: no assertion criteria provided. Collection method: literature only. Allele origin: germline. Not counted in ClinVar's aggregate classification.

Literature cited by the submitters: PubMed 16199547 (cited by Labcorp Genetics (formerly Invitae), Labcorp); PubMed 10655510 (cited by Labcorp Genetics (formerly Invitae), Labcorp and OMIM); PubMed 10678658 (cited by Labcorp Genetics (formerly Invitae), Labcorp and OMIM).